The following is an entry in ClinVar:

ClinVar aggregate classification (germline): Conflicting classifications of pathogenicity. Review status: criteria provided, conflicting classifications (1 of 4 stars). 2 submissions from 2 submitters: Likely pathogenic (1); Uncertain significance (1). Last evaluated 2017-06-14.

Conditions:
PLN-related disorders.
Dilated cardiomyopathy 1P (CMD1P). Identifiers: Orphanet 154, MedGen C1835928, MONDO:0012362, OMIM 609909.

Submissions (2):

Blueprint Genetics
Classification: Likely pathogenic for PLN-related disorders. Last evaluated: 2017-06-14. Review status: criteria provided, single submitter. Criteria: ACMG Guidelines, 2015. Collection method: clinical testing. Allele origin: germline. Affected: yes. Observed: 1 variant allele.

Labcorp Genetics (formerly Invitae), Labcorp
Classification: Uncertain significance for Dilated cardiomyopathy 1P. Last evaluated: 2016-10-12. Review status: criteria provided, single submitter. Criteria: Invitae Variant Classification Sherloc (09022015). Collection method: clinical testing. Allele origin: germline.
Comment: In summary, this variant is a novel missense change with uncertain impact on protein function. It has been classified as a Variant of Uncertain Significance. Algorithms developed to predict the effect of missense changes on protein structure and function (SIFT, PolyPhen-2, Align-GVGD) all suggest that this variant is likely to be disruptive, but these predictions have not been confirmed by published functional studies. This variant is not present in population databases (ExAC no frequency) and has not been reported in the literature in individuals with a PLN-related disease. This sequence change replaces threonine with proline at codon 8 of the PLN protein (p.Thr8Pro). The threonine residue is highly conserved and there is a small physicochemical difference between threonine and proline.

NM_002667.5(PLN):c.22A>C (p.Thr8Pro)

Genes: CEP85L (centrosomal protein 85L; minus strand), PLN (phospholamban; plus strand). Cytogenetic location: 6q22.31.
Variant type: single nucleotide variant.
Coding change: c.22A>C on transcript NM_002667.5 (MANE Select); coding-DNA position 22, A replaced by C.
Protein change: p.Thr8Pro; replaces threonine 8 with proline.
Molecular consequence: missense variant. On other transcripts: intron variant (3).
Genome position (GRCh38, 1-based): chr6:118,558,943, A>C. VCF-style: chr6-118558943-A-C. GRCh37 (hg19) VCF-style: chr6-118880106-A-C.
Other names: c.1029+6586T>G (NM_001178035.2); c.1020+6586T>G (NM_001042475.3, NM_206921.3); short protein forms T8P.
Identifiers: ClinVar variation 410617 (VCV000410617.9), dbSNP rs1060502977, ClinGen allele CA16611885.